The following is an entry in ClinVar:

ClinVar aggregate classification (germline): Pathogenic. Review status: criteria provided, multiple submitters, no conflicts (2 of 4 stars). 8 submissions from 8 submitters: Pathogenic (7). 1 of the submissions does not count toward it. Last evaluated 2025-08-17.

Conditions:
MTTP-related disorder. Also called: MTTP-related condition.
Abetalipoproteinaemia (ABL). Also called: Abetalipoproteinemia; Abetalipoproteinemia neuropathy; Apolipoprotein B deficiency; Congenital betalipoprotein deficiency syndrome; MTP DEFICIENCY. Identifiers: Orphanet 14, MedGen C0000744, MONDO:0008692, OMIM 200100, HP:0008181.

Allele frequency attached by ClinVar (database versions not stated): gnomAD 0.00001; gnomAD exomes 0.00001; TOPMed 0.00001.
gnomAD v4.1: 4 of 1,613,534 alleles (0.00025%); highest among the groups gnomAD compares: Non-Finnish European, 0.00034%; no homozygotes.

Submissions (8):

Labcorp Genetics (formerly Invitae), Labcorp
Classification: Pathogenic. Last evaluated: 2025-08-17. Review status: criteria provided, single submitter. Criteria: Invitae Variant Classification Sherloc (09022015). Collection method: clinical testing. Allele origin: germline.
Comment: This sequence change creates a premature translational stop signal (p.Arg595*) in the MTTP gene. It is expected to result in an absent or disrupted protein product. Loss-of-function variants in MTTP are known to be pathogenic (PMID: 8533758, 9671739). This variant is not present in population databases (gnomAD no frequency). This premature translational stop signal has been observed in individual(s) with clinical features of abetalipoproteinemia (PMID: 8361539). ClinVar contains an entry for this variant (Variation ID: 14235). Algorithms developed to predict the effect of sequence changes on RNA splicing suggest that this variant may disrupt the consensus splice site. For these reasons, this variant has been classified as Pathogenic.

Natera, Inc.
Classification: Pathogenic for Abetalipoproteinemia. Last evaluated: 2025-08-13. Review status: criteria provided, single submitter. Criteria: Natera Variant Classification Schema (03/2026). Collection method: clinical testing. Allele origin: germline.
Comment: The c.1783C>T variant in MTTP is a nonsense variant predicted to introduce a stop codon at amino acid 595. This variant is expected to result in nonsense mediated decay, truncation, or a dysfunctional protein product. This variant is rare in the general population with a frequency below the threshold expected for the associated phenotype(s). This variant has been observed in one or more individuals affected with the associated recessive disease, as either homozygous or compound heterozygous with a second variant (PMID: 19066957). Given the available evidence, this variant is classified as Pathogenic.

Myriad Genetics, Inc.
Classification: Pathogenic for Abetalipoproteinaemia. Last evaluated: 2024-05-14. Review status: criteria provided, single submitter. Criteria: Myriad Autosomal Dominant, Autosomal Recessive and X-Linked Classification Criteria (2023). Collection method: clinical testing. Allele origin: unknown.
Comment: NM_000253.2(MTTP):c.1783C>T(R595*) is expected to be pathogenic in the context of abetalipoproteinemia. This variant is predicted to lead to an abnormal or absent protein product due to the creation of a premature termination codon in MTTP, a gene where loss-of-function variants are known to be pathogenic. Please note: this variant was assessed in the context of healthy population screening.

Fulgent Genetics
Classification: Pathogenic for Abetalipoproteinaemia. Last evaluated: 2024-03-28. Review status: criteria provided, single submitter. Criteria: ACMG Guidelines, 2015. Collection method: clinical testing. Allele origin: germline.

PreventionGenetics, part of Exact Sciences
Classification: Pathogenic for MTTP-related condition. Last evaluated: 2023-03-14. Review status: criteria provided, single submitter. Criteria: ACMG Guidelines, 2015. Collection method: clinical testing. Allele origin: germline.
Comment: The MTTP c.1783C>T variant is predicted to result in premature protein termination (p.Arg595*). This variant was reported in the homozygous state in an individual with abetalipoproteinaemia (Sharp et al. 1993. PubMed ID: 8361539). This variant has not been reported in a large population database, indicating this variant is rare. Nonsense variants in MTTP are expected to be pathogenic. This variant is interpreted as pathogenic.

Women's Health and Genetics/Laboratory Corporation of America, LabCorp
Classification: Pathogenic for Abetalipoproteinaemia. Last evaluated: 2022-02-07. Review status: criteria provided, single submitter. Criteria: LabCorp Variant Classification Summary - May 2015. Collection method: clinical testing. Allele origin: germline.
Comment: Variant summary: MTTP c.1783C>T (p.Arg595X) results in a premature termination codon, predicted to cause a truncation of the encoded protein or absence of the protein due to nonsense mediated decay, which are commonly known mechanisms for disease. Truncations downstream of this position have been classified as pathogenic by our laboratory (eg. c.2593G>T (p.Gly865X)). The variant was absent in 251426 control chromosomes (gnomAD) but has been reported in the literature in individuals affected with Abetalipoproteinaemia (e.g. Bassen-Kornzweig Syndrome; Chardon_2009, Ohashi_2000, Sharp_1993). These data indicate that the variant is likely to be associated with disease. To our knowledge, no experimental evidence demonstrating an impact on protein function has been reported. No clinical diagnostic laboratories have submitted clinical-significance assessments for this variant to ClinVar after 2014. Based on the evidence outlined above, the variant was classified as pathogenic.

Blueprint Genetics
Classification: Pathogenic for MTTP-related disorders. Last evaluated: 2020-11-25. Review status: criteria provided, single submitter. Criteria: ACMG Guidelines, 2015. Collection method: clinical testing. Allele origin: germline. Affected: yes. Observed: 1 variant allele.

OMIM
Classification: Pathogenic for ABETALIPOPROTEINEMIA. Last evaluated: 1993-09-02. Review status: no assertion criteria provided. Collection method: literature only. Allele origin: germline. Not counted in ClinVar's aggregate classification.

Literature cited by the submitters: PubMed 8533758 (cited by Labcorp Genetics (formerly Invitae), Labcorp); PubMed 9671739 (cited by Labcorp Genetics (formerly Invitae), Labcorp); PubMed 8361539 (cited by Labcorp Genetics (formerly Invitae), Labcorp and OMIM); PubMed 19066957 (cited by Natera, Inc.); PubMed 10946006 (cited by Women's Health and Genetics/Laboratory Corporation of America, LabCorp); PubMed 1439810 (cited by OMIM).

NM_001386140.1(MTTP):c.1783C>T (p.Arg595Ter)

Gene: MTTP (microsomal triglyceride transfer protein; plus strand). Cytogenetic location: 4q23.
Variant type: single nucleotide variant.
Coding change: c.1783C>T on transcript NM_001386140.1 (MANE Select); coding-DNA position 1783, C replaced by T.
Protein change: p.Arg595Ter; replaces arginine 595 with a stop codon.
Molecular consequence: nonsense.
Genome position (GRCh38, 1-based): chr4:99,611,156, C>T. VCF-style: chr4-99611156-C-T. GRCh37 (hg19) VCF-style: chr4-100532313-C-T.
Other names: R215*; c.1783C>T, p.Arg595Ter (NM_000253.4); c.1534C>T, p.Arg512Ter (NM_001300785.2); short protein forms R595*, R512*.
Identifiers: ClinVar variation 14235 (VCV000014235.21), dbSNP rs199422219, ClinGen allele CA123818.